The following is an entry in ClinVar:

NM_006922.4(SCN3A):c.3393+3A>G

Gene: SCN3A (sodium voltage-gated channel alpha subunit 3; minus strand). Cytogenetic location: 2q24.3.
Variant type: single nucleotide variant.
Coding change: c.3393+3A>G on transcript NM_006922.4 (MANE Select); 3 bases into the intron after coding-DNA position 3393, A replaced by G.
Molecular consequence: intron variant.
Genome position (GRCh38, 1-based): chr2:165,127,628, T>C on the plus strand (A>G on the coding strand, the complement: SCN3A is on the minus strand). VCF-style: chr2-165127628-T-C. GRCh37 (hg19) VCF-style: chr2-165984138-T-C.
Other names: c.3246+3A>G (NM_001081676.2, NM_001081677.2).
Identifiers: ClinVar variation 1491058 (VCV001491058.6), dbSNP rs2105761506, ClinGen allele CA2573133448.

ClinVar aggregate classification (germline): Uncertain significance (1 of 4 stars; one submission).

Submission:

Labcorp Genetics (formerly Invitae), Labcorp
Classification: Uncertain significance. Last evaluated: 2024-04-24. Review status: criteria provided, single submitter. Criteria: Invitae Variant Classification Sherloc (09022015). Collection method: clinical testing. Allele origin: germline.
Comment: This sequence change falls in intron 18 of the SCN3A gene. It does not directly change the encoded amino acid sequence of the SCN3A protein. It affects a nucleotide within the consensus splice site. This variant is not present in population databases (gnomAD no frequency). This variant has not been reported in the literature in individuals affected with SCN3A-related conditions. ClinVar contains an entry for this variant (Variation ID: 1491058). Variants that disrupt the consensus splice site are a relatively common cause of aberrant splicing (PMID: 17576681, 9536098). Algorithms developed to predict the effect of sequence changes on RNA splicing suggest that this variant is not likely to affect RNA splicing. In summary, the available evidence is currently insufficient to determine the role of this variant in disease. Therefore, it has been classified as a Variant of Uncertain Significance.

Literature cited by the submitters: PubMed 17576681; PubMed 9536098.